The following is an entry in ClinVar:

NM_003480.4(MFAP5):c.250T>G (p.Cys84Gly)

Gene: MFAP5 (microfibril associated protein 5; minus strand). Cytogenetic location: 12p13.31.
Variant type: single nucleotide variant.
Coding change: c.250T>G on transcript NM_003480.4 (MANE Select); coding-DNA position 250, T replaced by G.
Protein change: p.Cys84Gly; replaces cysteine 84 with glycine.
Molecular consequence: missense variant. On other transcripts: non-coding transcript variant (2), intron variant (1).
Genome position (GRCh38, 1-based): chr12:8,650,587, A>C on the plus strand (T>G on the coding strand, the complement: MFAP5 is on the minus strand). VCF-style: chr12-8650587-A-C. GRCh37 (hg19) VCF-style: chr12-8803183-A-C.
Other names: c.220T>G, p.Cys74Gly (NM_001297709.2); c.184T>G, p.Cys62Gly (NM_001297710.2); c.175T>G, p.Cys59Gly (NM_001297711.2); c.218-2384T>G (NM_001297712.2); short protein forms C74G, C59G, C62G, C84G.
Identifiers: ClinVar variation 2625340 (VCV002625340.2), dbSNP rs2540288713, ClinGen allele CA384039177.
Genomic context (GRCh38, chr12:8,650,587, plus strand): 5'-ATTGTTTAACCGGCCGATGCACAGAGTAGAGCCTTGTGCAGGTAAATTTCTCATCCCAGC[A>C]CTCTGAGGAAGCCCAATACAAAAAAATAAGGAGGTCCAAATAGAAGCAGCATAAATGAAG-3'
Protein context (NP_003471.1, residues 74-94): SLSEKNTTAE[Cys84Gly]WDEKFTCTRL

ClinVar aggregate classification (germline): Uncertain significance (1 of 4 stars; one submission).

Conditions:
Cardiovascular phenotype. Identifiers: MedGen CN230736.

Allele frequency attached by ClinVar (database versions not stated): gnomAD exomes below 0.00001.
gnomAD v4.1: 1 of 1,612,936 alleles (0.000062%); highest among the groups gnomAD compares: Non-Finnish European, 0.000085%; no homozygotes.

Submission:

Ambry Genetics
Classification: Uncertain significance for Cardiovascular phenotype. Last evaluated: 2023-06-18. Review status: criteria provided, single submitter. Criteria: Ambry Variant Classification Scheme 2023. Collection method: clinical testing. Allele origin: germline.
Comment: The p.C84G variant (also known as c.250T>G), located in coding exon 7 of the MFAP5 gene, results from a T to G substitution at nucleotide position 250. The cysteine at codon 84 is replaced by glycine, an amino acid with highly dissimilar properties. This amino acid position is conserved. In addition, this alteration is predicted to be deleterious by in silico analysis. Since supporting evidence is limited at this time, the clinical significance of this alteration remains unclear.